The following is an entry in ClinVar:

ClinVar aggregate classification (germline): Conflicting classifications of pathogenicity. Review status: criteria provided, conflicting classifications (1 of 4 stars). 7 submissions from 7 submitters: Uncertain significance (6); Likely benign (1). Last evaluated 2026-02-11.

Conditions:
Oligodontia-cancer predisposition syndrome. Also called: TOOTH AGENESIS-COLORECTAL CANCER SYNDROME. Identifiers: Orphanet 300576, MedGen C1837750, MONDO:0012075, OMIM 608615. Disease mechanism: loss of function.
AXIN2-related disorder.
Hereditary cancer-predisposing syndrome. Also called: Neoplastic Syndromes, Hereditary; Tumor predisposition; Hereditary Cancer Syndrome; Hereditary neoplastic syndrome. Identifiers: Orphanet 140162, MedGen C0027672, MeSH D009386, MONDO:0015356.

Allele frequency attached by ClinVar (database versions not stated): ExAC 0.00001; gnomAD exomes 0.00001; gnomAD 0.00006 and 0.00008; TOPMed 0.00006; ESP Exome Variant Server 0.00008.

Submissions (7):

St. Jude Molecular Pathology, St. Jude Children's Research Hospital
Classification: Uncertain significance for Oligodontia-cancer predisposition syndrome. Last evaluated: 2026-02-11. Review status: criteria provided, single submitter. Criteria: St. Jude Assertion Criteria 2020. Collection method: clinical testing. Allele origin: germline.
Comment: The AXIN2 c.635A>G p.(Asn212Ser) missense change has a maximum subpopulation frequency of 0.006% in gnomAD v2.1.1. The in silico tool REVEL predicts a benign effect on protein function, but t o our knowledge this prediction has not been confirmed by functional studies. To our knowledge, this variant has not been reported in individuals with oligodontia-cancer predisposition syndrome. In summary, the evidence currently available is insufficien t to determine the clinical significance of this variant. It has therefore been classified as of uncertain significance.

Labcorp Genetics (formerly Invitae), Labcorp
Classification: Uncertain significance for Oligodontia-cancer predisposition syndrome. Last evaluated: 2025-12-28. Review status: criteria provided, single submitter. Criteria: Invitae Variant Classification Sherloc (09022015). Collection method: clinical testing. Allele origin: germline.
Comment: This sequence change replaces asparagine, which is neutral and polar, with serine, which is neutral and polar, at codon 212 of the AXIN2 protein (p.Asn212Ser). This variant is present in population databases (rs368610577, gnomAD 0.007%). This variant has not been reported in the literature in individuals affected with AXIN2-related conditions. ClinVar contains an entry for this variant (Variation ID: 578296). Invitae Evidence Modeling of protein sequence and biophysical properties (such as structural, functional, and spatial information, amino acid conservation, physicochemical variation, residue mobility, and thermodynamic stability) indicates that this missense variant is not expected to disrupt AXIN2 protein function with a negative predictive value of 80%. In summary, the available evidence is currently insufficient to determine the role of this variant in disease. Therefore, it has been classified as a Variant of Uncertain Significance.

PreventionGenetics, part of Exact Sciences
Classification: Uncertain significance for AXIN2-related condition. Last evaluated: 2025-09-08. Review status: criteria provided, single submitter. Criteria: ACMG Guidelines, 2015. Collection method: clinical testing. Allele origin: germline.
Comment: The AXIN2 c.635A>G variant is predicted to result in the amino acid substitution p.Asn212Ser. To our knowledge, this variant has not been reported in the literature. This variant is reported in 0.0062% of alleles in individuals of African descent in gnomAD and has conflicting interpretations regarding its pathogenicity in ClinVar, ranging from likely benign to uncertain (Variation ID: 578296). At this time, the clinical significance of this variant is uncertain due to the absence of conclusive functional and genetic evidence.

Ambry Genetics
Classification: Likely benign for Hereditary cancer-predisposing syndrome. Last evaluated: 2023-12-20. Review status: criteria provided, single submitter. Criteria: Ambry Variant Classification Scheme 2023. Collection method: clinical testing. Allele origin: germline.

Quest Diagnostics Nichols Institute San Juan Capistrano
Classification: Uncertain significance. Last evaluated: 2023-03-10. Review status: criteria provided, single submitter. Criteria: Quest Diagnostics criteria. Collection method: clinical testing. Allele origin: unknown.
Comment: To the best of our knowledge, the variant has not been reported in the published literature. The frequency of this variant in the general population, 0.000008 (2/251484 chromosomes), is uninformative in assessment of its pathogenicity. Analysis of this variant using bioinformatics tools for the prediction of the effect of amino acid changes on protein structure and function yielded predictions that this variant is benign. Based on the available information, we are unable to determine the clinical significance of this variant.

GeneDx
Classification: Uncertain significance. Last evaluated: 2023-02-28. Review status: criteria provided, single submitter. Criteria: GeneDx Variant Classification Process June 2021. Collection method: clinical testing. Allele origin: germline. Affected: yes.
Comment: Not observed at significant frequency in large population cohorts (gnomAD); In silico analysis supports that this missense variant does not alter protein structure/function; Has not been previously published as pathogenic or benign to our knowledge

Sema4
Classification: Uncertain significance for Hereditary cancer-predisposing syndrome. Last evaluated: 2021-11-06. Review status: criteria provided, single submitter. Criteria: Sema4 Curation Guidelines. Collection method: curation. Allele origin: germline.
Comment: The AXIN2 c.635A>G (p.N212S) variant has not been reported in the literature to our knowledge. It was observed in 1/16256 chromosomes of the African/African American subpopulation in the large and broad cohorts of the Genome Aggregation Database (PMID: 32461654). This variant has been reported in ClinVar (Variation ID 578296). In silico tools suggest the impact of the variant on protein function is benign, though these predictions have not been confirmed by functional studies. The evidence is insufficient to meet ACMG/AMP criteria for classifying the variant as benign or pathogenic. Thus, the clinical significance of this variant is currently uncertain.

NM_004655.4(AXIN2):c.635A>G (p.Asn212Ser)

Gene: AXIN2 (axin 2; minus strand). Cytogenetic location: 17q24.1.
Variant type: single nucleotide variant.
Coding change: c.635A>G on transcript NM_004655.4 (MANE Select); coding-DNA position 635, A replaced by G.
Protein change: p.Asn212Ser; replaces asparagine 212 with serine.
Molecular consequence: missense variant.
Genome position (GRCh38, 1-based): chr17:65,557,986, T>C on the plus strand (A>G on the coding strand, the complement: AXIN2 is on the minus strand). VCF-style: chr17-65557986-T-C. GRCh37 (hg19) VCF-style: chr17-63554104-T-C.
Other names: c.635A>G (LRG_296t1); c.635A>G, p.Asn212Ser (NM_001363813.1); short protein forms N212S.
Identifiers: ClinVar variation 578296 (VCV000578296.22), dbSNP rs368610577, ClinGen allele CA8719016.